The following is an entry in ClinVar:

ClinVar aggregate classification (germline): Uncertain significance (1 of 4 stars; one submission).

Submission:

GeneDx
Classification: Uncertain significance. Last evaluated: 2024-03-25. Review status: criteria provided, single submitter. Criteria: GeneDx Variant Classification Process June 2021. Collection method: clinical testing. Allele origin: germline. Affected: yes.
Comment: Not observed at significant frequency in large population cohorts (gnomAD); Has not been previously published as pathogenic or benign to our knowledge; In silico analysis is inconclusive as to whether the variant alters gene splicing. In the absence of RNA/functional studies, the actual effect of this sequence change is unknown.

NM_001330078.2(NRXN1):c.3244+3A>T

Gene: NRXN1 (neurexin 1; minus strand). Cytogenetic location: 2p16.3.
Variant type: single nucleotide variant.
Coding change: c.3244+3A>T on transcript NM_001330078.2 (MANE Select); 3 bases into the intron after coding-DNA position 3244, A replaced by T.
Molecular consequence: intron variant.
Genome position (GRCh38, 1-based): chr2:50,472,295, T>A on the plus strand (A>T on the coding strand, the complement: NRXN1 is on the minus strand). VCF-style: chr2-50472295-T-A. GRCh37 (hg19) VCF-style: chr2-50699433-T-A.
Other names: c.3133+3A>T (NM_001330096.2, NM_001330087.2); c.3178+3A>T (NM_001330083.2, NM_001330084.2); c.3163+3A>T (NM_001330088.2); c.3241+3A>T (NM_001330093.2); c.3232+3A>T (NM_001330094.2); c.3193+3A>T (NM_001330095.2); c.3220+3A>T (NM_001330082.2, NM_001330077.2); c.3217+3A>T (NM_001330085.2); and 2 more.
Identifiers: ClinVar variation 3371341 (VCV003371341.1).